The following is an entry in ClinVar:

NM_000059.4(BRCA2):c.3191C>A (p.Ser1064Ter)

Gene: BRCA2 (BRCA2 DNA repair associated; plus strand). Cytogenetic location: 13q13.1.
Variant type: single nucleotide variant.
Coding change: c.3191C>A on transcript NM_000059.4 (MANE Select); coding-DNA position 3191, C replaced by A.
Protein change: p.Ser1064Ter; replaces serine 1064 with a stop codon.
Molecular consequence: nonsense.
Genome position (GRCh38, 1-based): chr13:32,337,546, C>A. VCF-style: chr13-32337546-C-A. GRCh37 (hg19) VCF-style: chr13-32911683-C-A.
Other names: short protein forms S1064*.
Identifiers: ClinVar variation 409533 (VCV000409533.14), dbSNP rs864622609, ClinGen allele CA16614134.

ClinVar aggregate classification (germline): Pathogenic. Review status: reviewed by expert panel (3 of 4 stars). 5 submissions from 5 submitters: Pathogenic (1). 4 of the submissions do not count toward it. Last evaluated 2017-12-15.

Conditions:
Hereditary breast ovarian cancer syndrome. Also called: Hereditary breast and ovarian cancer syndrome; Hereditary breast and/or ovarian cancer syndrome; BRCA1- and BRCA2-Associated Hereditary Breast and Ovarian Cancer; Hereditary breast and ovarian cancer syndrome (HBOC); Hereditary breast and ovarian cancer; Breast and ovarian cancer. Identifiers: Orphanet 145, MedGen C0677776, MeSH D061325, MONDO:0003582. Disease mechanism: loss of function.
Hereditary cancer-predisposing syndrome. Also called: Hereditary neoplastic syndrome; Neoplastic Syndromes, Hereditary; Tumor predisposition; Hereditary Cancer Syndrome. Identifiers: Orphanet 140162, MedGen C0027672, MeSH D009386, MONDO:0015356.
Breast-ovarian cancer, familial, susceptibility to, 2 (BROVCA2). Also called: BRCA2 Hereditary Breast and Ovarian Cancer. Identifiers: Orphanet 145, MedGen C2675520, MONDO:0012933, OMIM 612555. Disease mechanism: loss of function.
Familial cancer of breast. Also called: Hereditary breast cancer; hereditary breast carcinoma; BREAST CANCER, FAMILIAL. Identifiers: Orphanet 227535, MedGen C0346153, MONDO:0016419, OMIM 114480. Disease mechanism: loss of function.

Submissions (5):

Evidence-based Network for the Interpretation of Germline Mutant Alleles (ENIGMA)
Classification: Pathogenic for Breast-ovarian cancer, familial, susceptibility to, 2. Last evaluated: 2017-12-15. Review status: reviewed by expert panel. Criteria: ENIGMA BRCA1/2 Classification Criteria (2017-06-29). Collection method: curation. Allele origin: germline. Study: ENIGMA.
Comment: Variant allele predicted to encode a truncated non-functional protein.

Quest Diagnostics Nichols Institute San Juan Capistrano
Classification: Likely pathogenic. Last evaluated: 2025-07-29. Review status: criteria provided, single submitter. Criteria: Quest Diagnostics criteria. Collection method: clinical testing. Allele origin: unknown. Not counted in ClinVar's aggregate classification.
Comment: The BRCA2 c.3191C>A (p.Ser1064*) variant is predicted to cause the premature termination of BRCA2 protein synthesis. This variant has not been reported in individuals with BRCA2-related conditions in the published literature. This variant has not been reported in large, multi-ethnic general populations (Genome Aggregation Database). Based on the available information, this variant is classified as likely pathogenic.

Ambry Genetics
Classification: Pathogenic for Hereditary cancer-predisposing syndrome. Last evaluated: 2024-12-06. Review status: criteria provided, single submitter. Criteria: Ambry Variant Classification Scheme 2023. Collection method: clinical testing. Allele origin: germline. Not counted in ClinVar's aggregate classification.
Comment: The p.S1064* pathogenic mutation (also known as c.3191C>A), located in coding exon 10 of the BRCA2 gene, results from a C to A substitution at nucleotide position 3191. This changes the amino acid from a serine to a stop codon within coding exon 10. This alteration is expected to result in loss of function by premature protein truncation or nonsense-mediated mRNA decay. As such, this alteration is interpreted as a disease-causing mutation.

Baylor Genetics
Classification: Likely pathogenic for Familial cancer of breast. Last evaluated: 2022-08-05. Review status: criteria provided, single submitter. Criteria: ACMG Guidelines, 2015. Collection method: clinical testing. Allele origin: unknown. Not counted in ClinVar's aggregate classification.

Labcorp Genetics (formerly Invitae), Labcorp
Classification: Pathogenic for Hereditary breast ovarian cancer syndrome. Last evaluated: 2017-02-22. Review status: criteria provided, single submitter. Criteria: Invitae Variant Classification Sherloc (09022015). Collection method: clinical testing. Allele origin: germline. Not counted in ClinVar's aggregate classification.
Comment: This sequence change creates a premature translational stop signal at codon 1064 (p.Ser1064*) of the BRCA2 gene. It is expected to result in an absent or disrupted protein product. While this particular variant has not been reported in the literature, loss-of-function variants in BRCA2 are known to be pathogenic (PMID: 20104584). For these reasons, this variant has been classified as Pathogenic.

Literature cited by the submitters: PubMed 20104584 (cited by Labcorp Genetics (formerly Invitae), Labcorp).